The following is an entry in ClinVar:

ClinVar aggregate classification (germline): Uncertain significance (1 of 4 stars; one submission).

Conditions:
KLHL24-related disorder. Also called: KLHL24-related condition.

gnomAD v4.1: 8 of 1,613,810 alleles (0.0005%); highest among the groups gnomAD compares: African/African-American, 0.011%; no homozygotes.

Submission:

PreventionGenetics, part of Exact Sciences
Classification: Uncertain significance for KLHL24-related condition. Last evaluated: 2026-04-21. Review status: criteria provided, single submitter. Criteria: ACMG Guidelines, 2015. Collection method: clinical testing. Allele origin: germline.
Comment: The KLHL24 c.1780A>G variant is predicted to result in the amino acid substitution p.Asn594Asp. To our knowledge, this variant has not been reported in the literature. This variant is reported in 0.023% of alleles in individuals of African descent in gnomAD. At this time, the clinical significance of this variant is uncertain due to the absence of conclusive functional and genetic evidence.

NM_017644.3(KLHL24):c.1780A>G (p.Asn594Asp)

Gene: KLHL24 (kelch like family member 24; plus strand). Cytogenetic location: 3q27.1.
Variant type: single nucleotide variant.
Coding change: c.1780A>G on transcript NM_017644.3 (MANE Select); coding-DNA position 1780, A replaced by G.
Protein change: p.Asn594Asp; replaces asparagine 594 with aspartic acid.
Molecular consequence: missense variant. On other transcripts: non-coding transcript variant (2).
Genome position (GRCh38, 1-based): chr3:183,679,263, A>G. VCF-style: chr3-183679263-A-G. GRCh37 (hg19) VCF-style: chr3-183397051-A-G.
Other names: c.1855A>G, p.Asn619Asp (NM_001349413.1, NM_001349414.1, NM_001349415.1 and 3 more transcripts); c.1780A>G, p.Asn594Asp (NM_001349419.1, NM_001349420.1, NM_001349421.1 and 5 more transcripts); c.937A>G, p.Asn313Asp (NM_001349428.1, NM_001349429.1); short protein forms N594D, N313D, N619D.
Identifiers: ClinVar variation 4989900 (VCV004989900.1).
Genomic context (GRCh38, chr3:183,679,263, plus strand): 5'-GGGGTAGCTGCAATGCCCAGGCCAGTGTCCTATCATGGCTGTGTGACTATTCATAGATAC[A>G]ATGAGAAATGCTTTAAACTCTGAAGACAGGATACCTCACCGAAGAAGCCACACTGATCCA-3'
Protein context (NP_060114.2, residues 584-600): YHGCVTIHRY[Asn594Asp]EKCFKL